The following is an entry in ClinVar:

NM_015046.7(SETX):c.3728A>G (p.Lys1243Arg)

Gene: SETX (senataxin; minus strand). Cytogenetic location: 9q34.13.
Variant type: single nucleotide variant.
Coding change: c.3728A>G on transcript NM_015046.7 (MANE Select); coding-DNA position 3728, A replaced by G.
Protein change: p.Lys1243Arg; replaces lysine 1243 with arginine.
Molecular consequence: missense variant.
Genome position (GRCh38, 1-based): chr9:132,327,870, T>C on the plus strand (A>G on the coding strand, the complement: SETX is on the minus strand). VCF-style: chr9-132327870-T-C. GRCh37 (hg19) VCF-style: chr9-135203257-T-C.
Other names: c.3728A>G, p.Lys1243Arg (NM_001351527.2, NM_001351528.2); short protein forms K1243R.
Identifiers: ClinVar variation 468502 (VCV000468502.9), dbSNP rs1467137301, ClinGen allele CA375328503.

ClinVar aggregate classification (germline): Uncertain significance (1 of 4 stars; one submission).

Conditions:
Spinocerebellar ataxia, autosomal recessive, with axonal neuropathy 2 (SCAN2). Also called: ATAXIA-OCULOMOTOR APRAXIA 2; Ataxia with Oculomotor Apraxia; Ataxia-ocular apraxia-2; Ataxia with Oculomotor Apraxia Type 2. Identifiers: Orphanet 64753, MedGen C1853761, MONDO:0018996, OMIM 606002.
Amyotrophic lateral sclerosis type 4 (ALS4). Also called: AMYOTROPHIC LATERAL SCLEROSIS 4, JUVENILE; NEURONOPATHY, DISTAL HEREDITARY MOTOR, WITH PYRAMIDAL FEATURES. Identifiers: Orphanet 357043, MedGen C1865409, MONDO:0011223, OMIM 602433.

Allele frequency attached by ClinVar (database versions not stated): gnomAD exomes below 0.00001.

Submission:

Labcorp Genetics (formerly Invitae), Labcorp
Classification: Uncertain significance for Amyotrophic lateral sclerosis type 4; Spinocerebellar ataxia, autosomal recessive, with axonal neuropathy 2. Last evaluated: 2017-06-27. Review status: criteria provided, single submitter. Criteria: Invitae Variant Classification Sherloc (09022015). Collection method: clinical testing. Allele origin: germline.
Comment: This sequence change replaces lysine with arginine at codon 1243 of the SETX protein (p.Lys1243Arg). The lysine residue is weakly conserved and there is a small physicochemical difference between lysine and arginine. This variant is not present in population databases (ExAC no frequency). This variant has not been reported in the literature in individuals with SETX-related disease. Algorithms developed to predict the effect of missense changes on protein structure and function output the following: SIFT: "Tolerated"; PolyPhen-2: "Benign"; Align-GVGD: "Class C0". The arginine amino acid residue is found in multiple mammalian species, suggesting that this missense change does not adversely affect protein function. These predictions have not been confirmed by published functional studies and their clinical significance is uncertain. In summary, the available evidence is currently insufficient to determine the role of this variant in disease. Therefore, it has been classified as a Variant of Uncertain Significance.